The following is an entry in ClinVar:

NM_001267550.2(TTN):c.47216G>A (p.Gly15739Asp)

Genes: TTN (titin; minus strand), TTN-AS1 (TTN antisense RNA 1; plus strand). Cytogenetic location: 2q31.2.
Variant type: single nucleotide variant.
Coding change: c.47216G>A on transcript NM_001267550.2 (MANE Select); coding-DNA position 47216, G replaced by A.
Protein change: p.Gly15739Asp; replaces glycine 15739 with aspartic acid.
Molecular consequence: missense variant.
Genome position (GRCh38, 1-based): chr2:178,618,242, C>T on the plus strand (G>A on the coding strand, the complement: TTN is on the minus strand). VCF-style: chr2-178618242-C-T. GRCh37 (hg19) VCF-style: chr2-179482969-C-T.
Other names: c.42293G>A, p.Gly14098Asp (NM_001256850.1); c.20021G>A, p.Gly6674Asp (NM_003319.4); c.39512G>A, p.Gly13171Asp (NM_133378.4); c.20396G>A, p.Gly6799Asp (NM_133432.3); c.20597G>A, p.Gly6866Asp (NM_133437.4); short protein forms G13171D, G14098D, G15739D, G6674D, G6799D, G6866D.
Identifiers: ClinVar variation 1311038 (VCV001311038.2), dbSNP rs2154209429, ClinGen allele CA349619043.
Genomic context (GRCh38, chr2:178,618,242, plus strand): 5'-TTCTTACCATATTTACTCCTTGCTTCTACAGGATTGTCAGTTTCTACTGGCTCACCAGTG[C>T]CAACTCTGTTTCTTGCACTCACACGGAATAGGTACTCAACTCCTCCTTTCTGTAGACCAG-3'
Protein context (NP_001254479.2, residues 15729-15749): LFRVSARNRV[Gly15739Asp]TGEPVETDNP

ClinVar aggregate classification (germline): Uncertain significance (1 of 4 stars; one submission).

gnomAD v4.1: 2 of 1,612,834 alleles (0.00012%); highest among the groups gnomAD compares: Non-Finnish European, 0.00017%; no homozygotes.

Submission:

GeneDx
Classification: Uncertain significance. Last evaluated: 2019-12-16. Review status: criteria provided, single submitter. Criteria: GeneDx Variant Classification Process June 2021. Collection method: clinical testing. Allele origin: germline. Affected: yes.
Comment: Not observed in large population cohorts (Lek et al., 2016); Missense variant in a gene in which most reported pathogenic variants are truncating/loss-of-function; Has not been previously published as pathogenic or benign to our knowledge; Located in the A-band of the titin protein, where the majority of pathogenic truncating variants have been reported